The following is an entry in ClinVar:

NM_152296.5(ATP1A3):c.708C>T (p.Ser236=)

Gene: ATP1A3 (ATPase Na+/K+ transporting subunit alpha 3; minus strand). Cytogenetic location: 19q13.2.
Variant type: single nucleotide variant.
Coding change: c.708C>T on transcript NM_152296.5 (MANE Select); coding-DNA position 708, C replaced by T.
Protein change: p.Ser236=; no amino-acid change (serine 236 retained).
Molecular consequence: synonymous variant.
Genome position (GRCh38, 1-based): chr19:41,985,322, G>A on the plus strand (C>T on the coding strand, the complement: ATP1A3 is on the minus strand). VCF-style: chr19-41985322-G-A. GRCh37 (hg19) VCF-style: chr19-42489474-G-A.
Other names: c.747C>T (NM_001256214.1); c.741C>T, p.Ser247= (NM_001256213.2); c.747C>T, p.Ser249= (NM_001256214.2).
Identifiers: ClinVar variation 1108200 (VCV001108200.26), dbSNP rs145171914, ClinGen allele CA9467807.
Genomic context (GRCh38, chr19:41,985,322, plus strand): 5'-CCTGTGTCTGCCCCAGCTGTGTGTCTTCTCTGCACCCGCCTCACCTTCCACACAGTTGGT[G>A]GAAAAGAAGGTGATGTTCCGAGTCTCCAAGGGGTTGTCGTGAGTGCAGTCGGGAGAGCGA-3'
Protein context (NP_689509.1, residues 226-246): PLETRNITFF[Ser236=]TNCVEGTARG

ClinVar aggregate classification (germline): Likely benign. Review status: criteria provided, multiple submitters, no conflicts (2 of 4 stars). 3 submissions from 3 submitters: Likely benign (2). 1 of the submissions does not count toward it. Last evaluated 2025-10-27.

Conditions:
Dystonia 12 (DYT12). Also called: DYT-ATP1A3; Rapid-Onset Dystonia-Parkinsonism (RDP). Identifiers: Orphanet 71517, MedGen C1868681, MONDO:0007496, OMIM 128235.
ATP1A3-related disorder. Also called: ATP1A3-related condition; ATP1A3-related disorders. Identifiers: MedGen CN381097.

Allele frequency attached by ClinVar (database versions not stated): gnomAD exomes 0.00002 and 0.00005; ExAC 0.00003; gnomAD 0.00003; TOPMed 0.00003; ESP Exome Variant Server 0.00008.
gnomAD v4.1: 80 of 1,614,058 alleles (0.005%); highest among the groups gnomAD compares: Middle Eastern, 0.016%; no homozygotes.

Submissions (3):

Labcorp Genetics (formerly Invitae), Labcorp
Classification: Likely benign for Dystonia 12. Last evaluated: 2025-10-27. Review status: criteria provided, single submitter. Criteria: Invitae Variant Classification Sherloc (09022015). Collection method: clinical testing. Allele origin: germline.

CeGaT Center for Human Genetics Tuebingen
Classification: Likely benign. Last evaluated: 2024-07-01. Review status: criteria provided, single submitter. Criteria: CeGaT Center For Human Genetics Tuebingen Variant Classification Criteria Version 2. Collection method: clinical testing. Allele origin: germline. Affected: yes. Observed: 1 variant allele.
Comment: ATP1A3: BP4, BP7

PreventionGenetics, part of Exact Sciences
Classification: Likely benign for ATP1A3-related condition. Last evaluated: 2020-04-29. Review status: no assertion criteria provided. Collection method: clinical testing. Allele origin: germline. Not counted in ClinVar's aggregate classification.
Comment: This variant is classified as likely benign based on ACMG/AMP sequence variant interpretation guidelines (Richards et al. 2015 PMID: 25741868, with internal and published modifications).